The following is an entry in ClinVar:

ClinVar aggregate classification (germline): Uncertain significance. Review status: criteria provided, multiple submitters, no conflicts (2 of 4 stars). 2 submissions from 2 submitters: Uncertain significance (2). Last evaluated 2025-01-27.

Conditions:
Inborn genetic diseases. Identifiers: MedGen C0950123, MeSH D030342.

gnomAD v4.1: 4 of 1,614,166 alleles (0.00025%); highest among the groups gnomAD compares: South Asian, 0.0022%; no homozygotes.

Submissions (2):

Ambry Genetics
Classification: Uncertain significance for Inborn genetic diseases. Last evaluated: 2025-01-27. Review status: criteria provided, single submitter. Criteria: Ambry Variant Classification Scheme 2023. Collection method: clinical testing. Allele origin: germline.
Comment: The p.A889S variant (also known as c.2665G>T), located in coding exon 13 of the ASXL1 gene, results from a G to T substitution at nucleotide position 2665. The alanine at codon 889 is replaced by serine, an amino acid with similar properties. This amino acid position is conserved. In addition, this alteration is predicted to be tolerated by in silico analysis. Based on the available evidence, the clinical significance of this variant remains unclear.

Labcorp Genetics (formerly Invitae), Labcorp
Classification: Uncertain significance. Last evaluated: 2024-08-11. Review status: criteria provided, single submitter. Criteria: Invitae Variant Classification Sherloc (09022015). Collection method: clinical testing. Allele origin: germline.
Comment: This sequence change replaces alanine, which is neutral and non-polar, with serine, which is neutral and polar, at codon 889 of the ASXL1 protein (p.Ala889Ser). This variant is not present in population databases (gnomAD no frequency). This variant has not been reported in the literature in individuals affected with ASXL1-related conditions. An algorithm developed to predict the effect of missense changes on protein structure and function (PolyPhen-2) suggests that this variant is likely to be disruptive. In summary, the available evidence is currently insufficient to determine the role of this variant in disease. Therefore, it has been classified as a Variant of Uncertain Significance.

NM_015338.6(ASXL1):c.2665G>T (p.Ala889Ser)

Gene: ASXL1 (ASXL transcriptional regulator 1; plus strand). Cytogenetic location: 20q11.21.
Variant type: single nucleotide variant.
Coding change: c.2665G>T on transcript NM_015338.6 (MANE Select); coding-DNA position 2665, G replaced by T.
Protein change: p.Ala889Ser; replaces alanine 889 with serine.
Molecular consequence: missense variant.
Genome position (GRCh38, 1-based): chr20:32,435,377, G>T. VCF-style: chr20-32435377-G-T. GRCh37 (hg19) VCF-style: chr20-31023180-G-T.
Other names: c.2482G>T, p.Ala828Ser (NM_001363734.1); short protein forms A889S, A828S.
Identifiers: ClinVar variation 3661936 (VCV003661936.3).